The following is an entry in ClinVar:

ClinVar aggregate classification (germline): Uncertain significance (1 of 4 stars; one submission).

gnomAD v4.1: 35 of 1,577,354 alleles (0.0022%); highest among the groups gnomAD compares: Non-Finnish European, 0.00035%; no homozygotes.

Submission:

Ambry Genetics
Classification: Uncertain significance. Last evaluated: 2024-06-14. Review status: criteria provided, single submitter. Criteria: Ambry Variant Classification Scheme 2023. Collection method: clinical testing. Allele origin: germline.
Comment: The p.L639I variant (also known as c.1915C>A), located in coding exon 11 of the PKP4 gene, results from a C to A substitution at nucleotide position 1915. The leucine at codon 639 is replaced by isoleucine, an amino acid with highly similar properties. This amino acid position is conserved. In addition, the in silico prediction for this alteration is inconclusive. Based on the available evidence, the clinical significance of this variant remains unclear.

NM_003628.6(PKP4):c.1915C>A (p.Leu639Ile)

Gene: PKP4 (plakophilin 4; plus strand). Cytogenetic location: 2q24.1.
Variant type: single nucleotide variant.
Coding change: c.1915C>A on transcript NM_003628.6 (MANE Select); coding-DNA position 1915, C replaced by A.
Protein change: p.Leu639Ile; replaces leucine 639 with isoleucine.
Molecular consequence: missense variant.
Genome position (GRCh38, 1-based): chr2:158,658,136, C>A. VCF-style: chr2-158658136-C-A. GRCh37 (hg19) VCF-style: chr2-159514648-C-A.
Other names: c.1915C>A, p.Leu639Ile (NM_001005476.4, NM_001304971.2, NM_001377218.1 and 1 more transcripts); c.1912C>A, p.Leu638Ile (NM_001304969.3, NM_001377219.1, NM_001377220.1 and 2 more transcripts); c.886C>A, p.Leu296Ile (NM_001304970.3); c.1909C>A, p.Leu637Ile (NM_001377222.1, NM_001377223.1); c.1906C>A, p.Leu636Ile (NM_001377224.1); short protein forms L296I, L637I, L638I, L636I, L639I.
Identifiers: ClinVar variation 3307140 (VCV003307140.1).